The following is an entry in ClinVar:

NM_005633.4(SOS1):c.157T>G (p.Leu53Val)

Gene: SOS1 (SOS Ras/Rac guanine nucleotide exchange factor 1; minus strand). Cytogenetic location: 2p22.1.
Variant type: single nucleotide variant.
Coding change: c.157T>G on transcript NM_005633.4 (MANE Select); coding-DNA position 157, T replaced by G.
Protein change: p.Leu53Val; replaces leucine 53 with valine.
Molecular consequence: missense variant.
Genome position (GRCh38, 1-based): chr2:39,067,684, A>C on the plus strand (T>G on the coding strand, the complement: SOS1 is on the minus strand). VCF-style: chr2-39067684-A-C. GRCh37 (hg19) VCF-style: chr2-39294825-A-C.
Other names: c.136T>G, p.Leu46Val (NM_001382394.1); c.157T>G, p.Leu53Val (NM_001382395.1); short protein forms L46V, L53V.
Identifiers: ClinVar variation 3061909 (VCV003061909.1), dbSNP rs2465395423, ClinGen allele CA346374216.
Genomic context (GRCh38, chr2:39,067,684, plus strand): 5'-ATACCTCTACATCTGAAGCACTTCGGGGCTGAGCTTGGCATAGCATATTTAATAATTGCA[A>C]AATTAATTCTTCAACATACTGAAGAGCATCATCATTAGACTCGAGAGTAGGATGAACTTG-3'
Protein context (NP_005624.2, residues 43-63): DALQYVEELI[Leu53Val]QLLNMLCQAQ

ClinVar aggregate classification (germline): Uncertain significance (1 of 4 stars; one submission).

Conditions:
Noonan syndrome 4 (NS4). Also called: SOS1-Related Noonan Syndrome; NOONAN SYNDROME WITH PIGMENTED VILLONODULAR SYNOVITIS. Identifiers: Orphanet 648, MedGen C1853120, MONDO:0012547, OMIM 610733.

Submission:

MVZ Medizinische Genetik Mainz
Classification: Uncertain significance for Noonan syndrome 4. Last evaluated: 2022-11-21. Review status: criteria provided, single submitter. Criteria: UK Practice Guidelines For Variant Classification V4 01 2020. Collection method: clinical testing. Allele origin: germline. Inheritance: Autosomal dominant inheritance. Affected: yes. Observed: 1 variant allele.
Comment: PM2, PP2, PP3